The following is an entry in ClinVar:

ClinVar aggregate classification (germline): Uncertain significance (1 of 4 stars; one submission).

Conditions:
Hereditary cancer-predisposing syndrome. Also called: Tumor predisposition; Hereditary Cancer Syndrome; Hereditary neoplastic syndrome; Neoplastic Syndromes, Hereditary. Identifiers: Orphanet 140162, MedGen C0027672, MeSH D009386, MONDO:0015356.

Submission:

Ambry Genetics
Classification: Uncertain significance for Hereditary cancer-predisposing syndrome. Last evaluated: 2023-02-07. Review status: criteria provided, single submitter. Criteria: Ambry Variant Classification Scheme 2023. Collection method: clinical testing. Allele origin: germline.
Comment: The p.Y2019F variant (also known as c.6056A>T), located in coding exon 40 of the ATM gene, results from an A to T substitution at nucleotide position 6056. The tyrosine at codon 2019 is replaced by phenylalanine, an amino acid with highly similar properties. This amino acid position is highly conserved in available vertebrate species. In addition, this alteration is predicted to be tolerated by in silico analysis. Since supporting evidence is limited at this time, the clinical significance of this alteration remains unclear.

NM_000051.4(ATM):c.6056A>T (p.Tyr2019Phe)

Genes: ATM (ATM serine/threonine kinase; plus strand), C11orf65 (chromosome 11 open reading frame 65; minus strand). Cytogenetic location: 11q22.3.
Variant type: single nucleotide variant.
Coding change: c.6056A>T on transcript NM_000051.4 (MANE Select); coding-DNA position 6056, A replaced by T.
Protein change: p.Tyr2019Phe; replaces tyrosine 2019 with phenylalanine.
Molecular consequence: missense variant. On other transcripts: intron variant (2).
Genome position (GRCh38, 1-based): chr11:108,315,872, A>T. VCF-style: chr11-108315872-A-T. GRCh37 (hg19) VCF-style: chr11-108186599-A-T.
Other names: c.6056A>T, p.Tyr2019Phe (NM_001351834.2); c.641-6801T>A (NM_001330368.2); c.*39-6801T>A (NM_001351110.2); short protein forms Y2019F.
Identifiers: ClinVar variation 2447496 (VCV002447496.2), dbSNP rs876658415, ClinGen allele CA382550017.